The following is an entry in ClinVar:

NM_002291.3(LAMB1):c.1539C>T (p.Asp513=)

Gene: LAMB1 (laminin subunit beta 1; minus strand). Cytogenetic location: 7q31.1.
Variant type: single nucleotide variant.
Coding change: c.1539C>T on transcript NM_002291.3 (MANE Select); coding-DNA position 1539, C replaced by T.
Protein change: p.Asp513=; no amino-acid change (aspartic acid 513 retained).
Molecular consequence: synonymous variant.
Genome position (GRCh38, 1-based): chr7:107,973,015, G>A on the plus strand (C>T on the coding strand, the complement: LAMB1 is on the minus strand). VCF-style: chr7-107973015-G-A. GRCh37 (hg19) VCF-style: chr7-107613460-G-A.
Identifiers: ClinVar variation 668354 (VCV000668354.1), dbSNP rs1584519817, ClinGen allele CA457110008.

ClinVar aggregate classification (germline): Likely benign (1 of 4 stars; one submission).

Allele frequency attached by ClinVar (database versions not stated): TOPMed below 0.00001; gnomAD exomes 0.00001.
gnomAD v4.1: 8 of 1,613,884 alleles (0.0005%); highest among the groups gnomAD compares: Non-Finnish European, 0.00068%; no homozygotes.

Submission:

GeneDx
Classification: Likely benign. Last evaluated: 2018-05-15. Review status: criteria provided, single submitter. Criteria: GeneDx Variant Classification (06012015). Collection method: clinical testing. Allele origin: germline. Affected: yes.
Comment: This variant is considered likely benign or benign based on one or more of the following criteria: it is a conservative change, it occurs at a poorly conserved position in the protein, it is predicted to be benign by multiple in silico algorithms, and/or has population frequency not consistent with disease.